The following is an entry in ClinVar:

NM_000038.6(APC):c.3875C>T (p.Thr1292Met)

Gene: APC (APC regulator of Wnt signaling pathway; plus strand). Cytogenetic location: 5q22.2.
Variant type: single nucleotide variant.
Coding change: c.3875C>T on transcript NM_000038.6 (MANE Select); coding-DNA position 3875, C replaced by T.
Protein change: p.Thr1292Met; replaces threonine 1292 with methionine.
Molecular consequence: missense variant.
Genome position (GRCh38, 1-based): chr5:112,839,469, C>T. VCF-style: chr5-112839469-C-T. GRCh37 (hg19) VCF-style: chr5-112175166-C-T.
Other names: NM_000038.5(APC):c.3875C>T(p.Thr1292Met); NM_001127510.2(APC):c.3875C>T(p.Thr1292Met); NM_001127511.2(APC):c.3821C>T(p.Thr1274Met); c.3875C>T (NM_000038.4); c.3875C>T, p.Thr1292Met (NM_001127510.3, NM_001354895.2); c.3821C>T, p.Thr1274Met (NM_001127511.3); c.3929C>T, p.Thr1310Met (NM_001354896.2); c.3905C>T, p.Thr1302Met (NM_001354897.2); and 9 more; short protein forms T1274M, T1292M, T1009M, T1166M, T1201M, T1233M, T1264M, T1267M.
Identifiers: ClinVar variation 133519 (VCV000133519.43), dbSNP rs371113837, ClinGen allele CA008722.

ClinVar aggregate classification (germline): Conflicting classifications of pathogenicity. Review status: criteria provided, conflicting classifications (1 of 4 stars). 17 submissions from 17 submitters: Uncertain significance (4); Likely benign (11). 2 of the submissions do not count toward it. Last evaluated 2026-06-01.

Conditions:
APC-related disorder. Also called: APC-related condition.
Hereditary cancer-predisposing syndrome. Also called: Tumor predisposition; Hereditary neoplastic syndrome; Neoplastic Syndromes, Hereditary; Hereditary Cancer Syndrome. Identifiers: Orphanet 140162, MedGen C0027672, MeSH D009386, MONDO:0015356.
Familial adenomatous polyposis 1 (FAP1). Also called: FAMILIAL ADENOMATOUS POLYPOSIS 1, ATTENUATED; POLYPOSIS, ADENOMATOUS INTESTINAL. Identifiers: MedGen C2713442, MONDO:0021056, OMIM 175100. Disease mechanism: loss of function.
Desmoid disease, hereditary (DESMD). Also called: FIBROMATOSIS, FAMILIAL INFILTRATIVE. Identifiers: Orphanet 873, MedGen C1851124, OMIM 135290. Disease mechanism: loss of function.

Allele frequency attached by ClinVar (database versions not stated): ExAC 0.00007; TOPMed 0.00008; gnomAD exomes 0.00009; gnomAD 0.00011 and 0.00012; ESP Exome Variant Server 0.00023.
gnomAD v4.1: 228 of 1,614,132 alleles (0.014%); highest among the groups gnomAD compares: East Asian, 0.096%; no homozygotes.

Submissions (17):

CeGaT Center for Human Genetics Tuebingen
Classification: Likely benign. Last evaluated: 2026-06-01. Review status: criteria provided, single submitter. Criteria: CeGaT Center For Human Genetics Tuebingen Variant Classification Criteria Version 2. Collection method: clinical testing. Allele origin: germline. Affected: yes. Observed: 1 variant allele.
Comment: APC: BP4, BS1

Labcorp Genetics (formerly Invitae), Labcorp
Classification: Likely benign for Familial adenomatous polyposis 1. Last evaluated: 2026-02-03. Review status: criteria provided, single submitter. Criteria: Invitae Variant Classification Sherloc (09022015). Collection method: clinical testing. Allele origin: germline.

PreventionGenetics, part of Exact Sciences
Classification: Likely benign for APC-related condition. Last evaluated: 2025-12-19. Review status: criteria provided, single submitter. Criteria: ACMG Guidelines, 2015. Collection method: clinical testing. Allele origin: germline.
Comment: This variant is classified as likely benign based on ACMG/AMP sequence variant interpretation guidelines (Richards et al. 2015 PMID: 25741868, with internal and published modifications).

Blueprint Genetics
Classification: Likely benign. Last evaluated: 2024-09-03. Review status: criteria provided, single submitter. Criteria: ACMG Guidelines, 2015. Collection method: clinical testing. Allele origin: germline.

Quest Diagnostics Nichols Institute San Juan Capistrano
Classification: Likely benign. Last evaluated: 2023-07-27. Review status: criteria provided, single submitter. Criteria: Quest Diagnostics criteria. Collection method: clinical testing. Allele origin: unknown.

Department of Pathology and Laboratory Medicine, Sinai Health System
Classification: Likely benign for Familial adenomatous polyposis 1; Desmoid disease, hereditary. Last evaluated: 2023-04-26. Review status: criteria provided, single submitter. Criteria: ACMG Guidelines, 2015. Collection method: clinical testing. Allele origin: germline. Affected: yes.

Women's Health and Genetics/Laboratory Corporation of America, LabCorp
Classification: Likely benign. Last evaluated: 2022-10-10. Review status: criteria provided, single submitter. Criteria: LabCorp Variant Classification Summary - May 2015. Collection method: clinical testing. Allele origin: germline.
Comment: Variant summary: APC c.3875C>T (p.Thr1292Met) results in a non-conservative amino acid change in the encoded protein sequence. Four of five in-silico tools predict a benign effect of the variant on protein function. The variant allele was found at a frequency of 9.5e-05 in 285314 control chromosomes (gnomAD and publication data). The observed variant frequency is approximately 1.3 fold of the estimated maximal expected allele frequency for a pathogenic variant in APC causing Familial Adenomatous Polyposis phenotype (7.1e-05), strongly suggesting that the variant is benign. c.3875C>T has been reported in the literature as a VUS in individuals affected with Familial Adenomatous Polyposis (Nagase_1992, Kim_2019), Breast Cancer (Tung_2015) or CRC (Chubb_2015, Yurgelun_2017, Sekine_2017). Nagase_1992 in particular reported the variant within a group of variants that they determined did not cosegregate with FAP phenotype and another mutation that led to translational termination was detected. These reports do not provide unequivocal conclusions about association of the variant with Familial Adenomatous Polyposis. Co-occurrences with other pathogenic variants have been reported (ATM c.2467-1G>A; RNF43 c.1976delG, p.G659fs; APC c.3631_3632del, p.Met1211ValfsTer5) (Internal data, Sekine_2017, Kim_2019), providing supporting evidence for a benign role. To our knowledge, no experimental evidence demonstrating an impact on protein function has been reported. Eleven ClinVar submitters (evaluation after 2014) cite the variant as uncertain significance (n=7) and likely benign (n=4). Based on the evidence outlined above, the variant was classified as likely benign.

Institute for Clinical Genetics, University Hospital TU Dresden, University Hospital TU Dresden
Classification: Uncertain significance. Last evaluated: 2021-11-03. Review status: criteria provided, single submitter. Criteria: ACMG Guidelines, 2015. Collection method: clinical testing. Allele origin: germline.

Sema4
Classification: Uncertain significance for Hereditary cancer-predisposing syndrome. Last evaluated: 2021-09-03. Review status: criteria provided, single submitter. Criteria: Sema4 Curation Guidelines. Collection method: curation. Allele origin: germline.
Comment: The APC c.3875C>T (p.T1292M) variant has been reported in at least 4 individuals with colorectal cancer, breast cancer, familial adenomatous polyposis (FAP) (PMIDs 28135145, 1338764, 25559809, 25186627), and in 1 individual in an ancestrally-diverse healthy population (PMID 24728327). It was observed in 26/282220 chromosomes across large and broad populations of the Genome Aggregation Database (PMID: 32461654). The frequency of this variant is higher than expected for a pathogenic variant based on disease/syndrome prevalence and penetrance. This variant has been reported in ClinVar (Variation ID 133519). Functional studies have not been performed, and in silico predictions of the variant's effect on protein function are inconclusive. The overall evidence is insufficient to meet ACMG/AMP criteria for classifying it as benign or pathogenic. In summary, the clinical significance of this variant is currently uncertain.

Ambry Genetics
Classification: Likely benign for Hereditary cancer-predisposing syndrome. Last evaluated: 2020-12-23. Review status: criteria provided, single submitter. Criteria: Ambry Variant Classification Scheme 2023. Collection method: clinical testing. Allele origin: germline.

Color Diagnostics, LLC DBA Color Health
Classification: Likely benign for Hereditary cancer-predisposing syndrome. Last evaluated: 2020-12-11. Review status: criteria provided, single submitter. Criteria: ACMG Guidelines, 2015. Collection method: clinical testing. Allele origin: germline.

ARUP Laboratories, Molecular Genetics and Genomics, ARUP Laboratories
Classification: Likely benign. Last evaluated: 2020-11-02. Review status: criteria provided, single submitter. Criteria: ARUP Molecular Germline Variant Investigation Process 2021. Collection method: clinical testing. Allele origin: germline.

GeneDx
Classification: Likely benign. Last evaluated: 2020-09-24. Review status: criteria provided, single submitter. Criteria: GeneDx Variant Classification Process June 2021. Collection method: clinical testing. Allele origin: germline. Affected: yes.
Comment: In silico analysis, which includes protein predictors and evolutionary conservation, supports that this variant does not alter protein structure/function; Observed in individuals with colon and other cancers as well as polyps (Nagase 1992, Chubb 2015, Tung 2015, Yurgelun 2017); This variant is associated with the following publications: (PMID: 24728327, 26650777, 25559809, 25742471, 1338764, 27077911, 28135145, 25186627)

Institute of Human Genetics, University of Leipzig Medical Center
Classification: Uncertain significance for Familial adenomatous polyposis 1. Last evaluated: 2019-12-18. Review status: criteria provided, single submitter. Criteria: ACMG Guidelines, 2015. Collection method: clinical testing. Allele origin: germline. Affected: yes. Observed: 1 variant allele.

SIB Swiss Institute of Bioinformatics
Classification: Uncertain significance for Familial adenomatous polyposis 1. Last evaluated: 2018-05-31. Review status: criteria provided, single submitter. Criteria: ACMG Guidelines, 2015. Collection method: curation. Allele origin: unknown.
Comment: This variant is interpreted as a Uncertain Significance - Insufficient Evidence, for familial adenomatous polyposis 1, in Autosomal Dominant manner. The following ACMG Tag(s) were applied: PM2-Supporting => PM2 downgraded in strength to Supporting.

Institute for Biomarker Research, Medical Diagnostic Laboratories, L.L.C.
Classification: Uncertain significance for Hereditary cancer-predisposing syndrome. Last evaluated: 2022-02-24. Review status: no assertion criteria provided. Collection method: clinical testing. Allele origin: germline. Not counted in ClinVar's aggregate classification.

ITMI
No classification provided. Condition: AllHighlyPenetrant. Last evaluated: 2013-09-19. Review status: no classification provided. Collection method: reference population. Allele origin: germline. Not counted in ClinVar's aggregate classification.
Comment: Please see associated publication for description of ethnicities

Literature cited by the submitters: PubMed 31269945 (cited by 3 submitters); PubMed 28548127 (cited by Quest Diagnostics Nichols Institute San Juan Capistrano and Women's Health and Genetics/Laboratory Corporation of America, LabCorp); PubMed 1338764 (cited by 4 submitters); PubMed 22875147 (cited by Quest Diagnostics Nichols Institute San Juan Capistrano and Women's Health and Genetics/Laboratory Corporation of America, LabCorp); PubMed 23274167 (cited by Quest Diagnostics Nichols Institute San Juan Capistrano); PubMed 25186627 (cited by 3 submitters); PubMed 27684187 (cited by Quest Diagnostics Nichols Institute San Juan Capistrano); PubMed 28135145 (cited by 3 submitters); PubMed 24728327 (cited by 6 submitters); PubMed 25742471 (cited by Quest Diagnostics Nichols Institute San Juan Capistrano and Ambry Genetics); PubMed 25559809 (cited by 4 submitters); PubMed 27077911 (cited by Quest Diagnostics Nichols Institute San Juan Capistrano and Ambry Genetics); PubMed 26650777 (cited by Quest Diagnostics Nichols Institute San Juan Capistrano).